The following is an entry in ClinVar:

NM_002294.3(LAMP2):c.878G>A (p.Arg293Gln)

Gene: LAMP2 (lysosome associated membrane protein 2; minus strand). Cytogenetic location: Xq24.
Variant type: single nucleotide variant.
Coding change: c.878G>A on transcript NM_002294.3 (MANE Select); coding-DNA position 878, G replaced by A.
Protein change: p.Arg293Gln; replaces arginine 293 with glutamine.
Molecular consequence: missense variant.
Genome position (GRCh38, 1-based): chrX:120,442,649, C>T on the plus strand (G>A on the coding strand, the complement: LAMP2 is on the minus strand). VCF-style: chrX-120442649-C-T. GRCh37 (hg19) VCF-style: chrX-119576504-C-T.
Other names: c.878G>A (NM_002294.2); c.878G>A, p.Arg293Gln (NM_001122606.1, NM_013995.2); short protein forms R293Q.
Identifiers: ClinVar variation 1450118 (VCV001450118.9), dbSNP rs1224940162, ClinGen allele CA414400376.

ClinVar aggregate classification (germline): Uncertain significance. Review status: criteria provided, multiple submitters, no conflicts (2 of 4 stars). 3 submissions from 3 submitters: Uncertain significance (3). Last evaluated 2025-11-07.

Conditions:
Danon disease. Also called: PSEUDOGLYCOGENOSIS II; GSD IIb; LYSOSOMAL GLYCOGEN STORAGE DISEASE WITHOUT ACID MALTASE DEFICIENCY; ANTOPOL DISEASE; Glycogen Storage Disease Type IIb. Identifiers: Orphanet 34587, MedGen C0878677, MONDO:0010281, OMIM 300257.

Allele frequency attached by ClinVar (database versions not stated): gnomAD exomes below 0.00001.
gnomAD v4.1: 4 of 1,207,305 alleles (0.00033%); highest among the groups gnomAD compares: South Asian, 0.0018%; no homozygotes.

Submissions (3):

Dasa
Classification: Uncertain significance for Danon disease. Last evaluated: 2025-11-07. Review status: criteria provided, single submitter. Criteria: DASA Assertion Criteria. Collection method: clinical testing. Allele origin: germline.
Comment: NM_002294.3(LAMP2):c.878G>A (p.Arg293Gln) is a missense variant that results in the substitution of arginine with glutamine. This variant is rare in population databases. The currently available literature and clinical evidence are not sufficient to establish a definitive association between this variant and the reported condition. Therefore, this variant is classified as a variant of uncertain significance.

GeneDx
Classification: Uncertain significance. Last evaluated: 2024-02-23. Review status: criteria provided, single submitter. Criteria: GeneDx Variant Classification Process June 2021. Collection method: clinical testing. Allele origin: germline. Affected: yes.
Comment: Has not been previously published as pathogenic or benign to our knowledge; Not observed at significant frequency in large population cohorts (gnomAD); In silico analysis supports that this missense variant has a deleterious effect on protein structure/function

Labcorp Genetics (formerly Invitae), Labcorp
Classification: Uncertain significance for Danon disease. Last evaluated: 2023-12-28. Review status: criteria provided, single submitter. Criteria: Invitae Variant Classification Sherloc (09022015). Collection method: clinical testing. Allele origin: germline.
Comment: This sequence change replaces arginine, which is basic and polar, with glutamine, which is neutral and polar, at codon 293 of the LAMP2 protein (p.Arg293Gln). This variant is not present in population databases (gnomAD no frequency). This variant has not been reported in the literature in individuals affected with LAMP2-related conditions. ClinVar contains an entry for this variant (Variation ID: 1450118). Advanced modeling of protein sequence and biophysical properties (such as structural, functional, and spatial information, amino acid conservation, physicochemical variation, residue mobility, and thermodynamic stability) performed at Invitae indicates that this missense variant is expected to disrupt LAMP2 protein function with a positive predictive value of 80%. In summary, the available evidence is currently insufficient to determine the role of this variant in disease. Therefore, it has been classified as a Variant of Uncertain Significance.